The following is an entry in ClinVar:

NM_001752.4(CAT):c.27C>T (p.Ser9=)

Genes: CAT (catalase; plus strand), LOC130005543 (ATAC-STARR-seq lymphoblastoid active region 4604; plus strand). Cytogenetic location: 11p13.
Variant type: single nucleotide variant.
Coding change: c.27C>T on transcript NM_001752.4 (MANE Select); coding-DNA position 27, C replaced by T.
Protein change: p.Ser9=; no amino-acid change (serine 9 retained).
Molecular consequence: synonymous variant.
Genome position (GRCh38, 1-based): chr11:34,439,040, C>T. VCF-style: chr11-34439040-C-T. GRCh37 (hg19) VCF-style: chr11-34460587-C-T.
Identifiers: ClinVar variation 5040647 (VCV005040647.1).

ClinVar aggregate classification (germline): Likely benign (1 of 4 stars; one submission).

Submission:

CeGaT Center for Human Genetics Tuebingen
Classification: Likely benign. Last evaluated: 2026-08-01. Review status: criteria provided, single submitter. Criteria: CeGaT Center For Human Genetics Tuebingen Variant Classification Criteria Version 2. Collection method: clinical testing. Allele origin: germline. Affected: yes. Observed: 1 variant allele.
Comment: CAT: PM2:Supporting, BP4, BP7